The following is an entry in ClinVar:

ClinVar aggregate classification (germline): Likely benign. Review status: criteria provided, multiple submitters, no conflicts (2 of 4 stars). 2 submissions from 2 submitters: Likely benign (2). Last evaluated 2025-10-08.

Conditions:
TTN-related disorder. Also called: TTN-related condition; TTN-related disease; TTN-related disorders.
Autosomal recessive limb-girdle muscular dystrophy type 2J (LGMDR10). Also called: Limb-girdle muscular dystrophy, type 2J; MUSCULAR DYSTROPHY, LIMB-GIRDLE, AUTOSOMAL RECESSIVE 10. Identifiers: Orphanet 140922, MedGen C1837342, MONDO:0012127, OMIM 608807.
Dilated cardiomyopathy 1G (CMD1G). Identifiers: Orphanet 154, MedGen C1858763, MONDO:0011400, OMIM 604145.

Allele frequency attached by ClinVar (database versions not stated): gnomAD 0.00001; gnomAD exomes 0.00001 and 0.00004; TOPMed 0.00002; ExAC 0.00005.
gnomAD v4.1: 12 of 1,613,102 alleles (0.00074%); highest among the groups gnomAD compares: Admixed American, 0.017%; no homozygotes.

Submissions (2):

PreventionGenetics, part of Exact Sciences
Classification: Likely benign for TTN-related condition. Last evaluated: 2025-10-08. Review status: criteria provided, single submitter. Criteria: ACMG Guidelines, 2015. Collection method: clinical testing. Allele origin: germline.
Comment: This variant is classified as likely benign based on ACMG/AMP sequence variant interpretation guidelines (Richards et al. 2015 PMID: 25741868, with internal and published modifications).

Labcorp Genetics (formerly Invitae), Labcorp
Classification: Likely benign for Dilated cardiomyopathy 1G; Autosomal recessive limb-girdle muscular dystrophy type 2J. Last evaluated: 2025-09-27. Review status: criteria provided, single submitter. Criteria: Invitae Variant Classification Sherloc (09022015). Collection method: clinical testing. Allele origin: germline.

NM_001267550.2(TTN):c.19581C>T (p.Tyr6527=)

Gene: TTN (titin; minus strand). Cytogenetic location: 2q31.2.
Variant type: single nucleotide variant.
Coding change: c.19581C>T on transcript NM_001267550.2 (MANE Select); coding-DNA position 19581, C replaced by T.
Protein change: p.Tyr6527=; no amino-acid change (tyrosine 6527 retained).
Molecular consequence: synonymous variant. On other transcripts: intron variant (3).
Genome position (GRCh38, 1-based): chr2:178,728,243, G>A on the plus strand (C>T on the coding strand, the complement: TTN is on the minus strand). VCF-style: chr2-178728243-G-A. GRCh37 (hg19) VCF-style: chr2-179592970-G-A.
Other names: c.18630C>T, p.Tyr6210= (NM_001256850.1); c.15849C>T, p.Tyr5283= (NM_133378.4); c.13282+9839C>T (NM_003319.4); c.13858+9839C>T (NM_133437.4); c.13657+9839C>T (NM_133432.3).
Identifiers: ClinVar variation 1138310 (VCV001138310.10), dbSNP rs746828415, ClinGen allele CA2001374.